The following is an entry in ClinVar:

NM_133459.4(CCBE1):c.491G>A (p.Gly164Asp)

Gene: CCBE1 (collagen and calcium binding EGF domains 1; minus strand). Cytogenetic location: 18q21.32.
Variant type: single nucleotide variant.
Coding change: c.491G>A on transcript NM_133459.4 (MANE Select); coding-DNA position 491, G replaced by A.
Protein change: p.Gly164Asp; replaces glycine 164 with aspartic acid.
Molecular consequence: missense variant.
Genome position (GRCh38, 1-based): chr18:59,466,801, C>T on the plus strand (G>A on the coding strand, the complement: CCBE1 is on the minus strand). VCF-style: chr18-59466801-C-T. GRCh37 (hg19) VCF-style: chr18-57134033-C-T.
Other names: short protein forms G164D.
Identifiers: ClinVar variation 2701965 (VCV002701965.3), dbSNP rs2511577574, ClinGen allele CA402591718.

ClinVar aggregate classification (germline): Uncertain significance (1 of 4 stars; one submission).

Submission:

Labcorp Genetics (formerly Invitae), Labcorp
Classification: Uncertain significance. Last evaluated: 2023-12-10. Review status: criteria provided, single submitter. Criteria: Invitae Variant Classification Sherloc (09022015). Collection method: clinical testing. Allele origin: germline.
Comment: This sequence change replaces glycine, which is neutral and non-polar, with aspartic acid, which is acidic and polar, at codon 164 of the CCBE1 protein (p.Gly164Asp). This variant is not present in population databases (gnomAD no frequency). This variant has not been reported in the literature in individuals affected with CCBE1-related conditions. Advanced modeling of protein sequence and biophysical properties (such as structural, functional, and spatial information, amino acid conservation, physicochemical variation, residue mobility, and thermodynamic stability) has been performed at Invitae for this missense variant, however the output from this modeling did not meet the statistical confidence thresholds required to predict the impact of this variant on CCBE1 protein function. In summary, the available evidence is currently insufficient to determine the role of this variant in disease. Therefore, it has been classified as a Variant of Uncertain Significance.